The following is an entry in ClinVar:

NM_004341.5(CAD):c.4797C>T (p.Val1599=)

Gene: CAD (carbamoyl-phosphate synthetase 2, aspartate transcarbamylase, and dihydroorotase; plus strand). Cytogenetic location: 2p23.3.
Variant type: single nucleotide variant.
Coding change: c.4797C>T on transcript NM_004341.5 (MANE Select); coding-DNA position 4797, C replaced by T.
Protein change: p.Val1599=; no amino-acid change (valine 1599 retained).
Molecular consequence: synonymous variant.
Genome position (GRCh38, 1-based): chr2:27,238,124, C>T. VCF-style: chr2-27238124-C-T. GRCh37 (hg19) VCF-style: chr2-27460992-C-T.
Other names: c.4608C>T, p.Val1536= (NM_001306079.2).
Identifiers: ClinVar variation 2980979 (VCV002980979.23), dbSNP rs747848574, ClinGen allele CA1573664.

ClinVar aggregate classification (germline): Likely benign. Review status: criteria provided, multiple submitters, no conflicts (2 of 4 stars). 2 submissions from 2 submitters: Likely benign (2). Last evaluated 2024-04-01.

Allele frequency attached by ClinVar (database versions not stated): gnomAD 0.00001; gnomAD exomes 0.00001; ExAC 0.00007.
gnomAD v4.1: 25 of 1,614,084 alleles (0.0015%); highest among the groups gnomAD compares: South Asian, 0.021%; 1 homozygote.

Submissions (2):

CeGaT Center for Human Genetics Tuebingen
Classification: Likely benign. Last evaluated: 2024-04-01. Review status: criteria provided, single submitter. Criteria: CeGaT Center For Human Genetics Tuebingen Variant Classification Criteria Version 2. Collection method: clinical testing. Allele origin: germline. Affected: yes. Observed: 1 variant allele.
Comment: CAD: BP4, BP7

Labcorp Genetics (formerly Invitae), Labcorp
Classification: Likely benign. Last evaluated: 2023-10-18. Review status: criteria provided, single submitter. Criteria: Invitae Variant Classification Sherloc (09022015). Collection method: clinical testing. Allele origin: germline.